The following is an entry in ClinVar:

NM_152296.5(ATP1A3):c.2485C>T (p.Pro829Ser)

Gene: ATP1A3 (ATPase Na+/K+ transporting subunit alpha 3; minus strand). Cytogenetic location: 19q13.2.
Variant type: single nucleotide variant.
Coding change: c.2485C>T on transcript NM_152296.5 (MANE Select); coding-DNA position 2485, C replaced by T.
Protein change: p.Pro829Ser; replaces proline 829 with serine.
Molecular consequence: missense variant.
Genome position (GRCh38, 1-based): chr19:41,970,242, G>A on the plus strand (C>T on the coding strand, the complement: ATP1A3 is on the minus strand). VCF-style: chr19-41970242-G-A. GRCh37 (hg19) VCF-style: chr19-42474394-G-A.
Other names: c.2518C>T, p.Pro840Ser (NM_001256213.2); c.2524C>T, p.Pro842Ser (NM_001256214.2); short protein forms P829S, P840S, P842S.
Identifiers: ClinVar variation 3608889 (VCV003608889.3).

ClinVar aggregate classification (germline): Uncertain significance. Review status: criteria provided, multiple submitters, no conflicts (2 of 4 stars). 2 submissions from 2 submitters: Uncertain significance (2). Last evaluated 2024-05-08.

Conditions:
Dystonia 12 (DYT12). Also called: Rapid-Onset Dystonia-Parkinsonism (RDP); DYT-ATP1A3. Identifiers: Orphanet 71517, MedGen C1868681, MONDO:0007496, OMIM 128235.

Submissions (2):

Blueprint Genetics
Classification: Uncertain significance. Last evaluated: 2024-05-08. Review status: criteria provided, single submitter. Criteria: ACMG Guidelines, 2015. Collection method: clinical testing. Allele origin: germline.

Labcorp Genetics (formerly Invitae), Labcorp
Classification: Uncertain significance for Dystonia 12. Last evaluated: 2024-04-25. Review status: criteria provided, single submitter. Criteria: Invitae Variant Classification Sherloc (09022015). Collection method: clinical testing. Allele origin: germline.
Comment: This sequence change replaces proline, which is neutral and non-polar, with serine, which is neutral and polar, at codon 829 of the ATP1A3 protein (p.Pro829Ser). This variant is not present in population databases (gnomAD no frequency). This variant has not been reported in the literature in individuals affected with ATP1A3-related conditions. Advanced modeling of protein sequence and biophysical properties (such as structural, functional, and spatial information, amino acid conservation, physicochemical variation, residue mobility, and thermodynamic stability) performed at Invitae indicates that this missense variant is expected to disrupt ATP1A3 protein function with a positive predictive value of 95%. In summary, the available evidence is currently insufficient to determine the role of this variant in disease. Therefore, it has been classified as a Variant of Uncertain Significance.